The following is an entry in ClinVar:

ClinVar aggregate classification (germline): Benign. Review status: criteria provided, multiple submitters, no conflicts (2 of 4 stars). 2 submissions from 2 submitters: Benign (2). Last evaluated 2018-06-14.

Allele frequency attached by ClinVar (database versions not stated): gnomAD 0.33561 and 0.33912; TOPMed 0.34755; 1000 Genomes Project 30x 0.41537; 1000 Genomes Project 0.41813.
gnomAD v4.1: 313,512 of 1,138,828 alleles (28%); highest among the groups gnomAD compares: African/African-American, 47%; 47,969 homozygotes.

Submissions (2):

GeneDx
Classification: Benign. Last evaluated: 2018-06-14. Review status: criteria provided, single submitter. Criteria: GeneDx Variant Classification (06012015). Collection method: clinical testing. Allele origin: germline. Affected: yes.
Comment: This variant is considered likely benign or benign based on one or more of the following criteria: it is a conservative change, it occurs at a poorly conserved position in the protein, it is predicted to be benign by multiple in silico algorithms, and/or has population frequency not consistent with disease.

Breakthrough Genomics
Classification: Benign. Review status: criteria provided, single submitter. Criteria: ACMG Guidelines, 2015. Collection method: not provided. Allele origin: germline. Inheritance: Autosomal recessive inheritance. Affected: yes.

NM_000540.3(RYR1):c.8067+152G>A

Gene: RYR1 (ryanodine receptor 1; plus strand). Cytogenetic location: 19q13.2.
Variant type: single nucleotide variant.
Coding change: c.8067+152G>A on transcript NM_000540.3 (MANE Select); 152 bases into the intron after coding-DNA position 8067, G replaced by A.
Molecular consequence: intron variant.
Genome position (GRCh38, 1-based): chr19:38,504,512, G>A. VCF-style: chr19-38504512-G-A. GRCh37 (hg19) VCF-style: chr19-38995152-G-A.
Other names: c.8067+152G>A (NM_001042723.2).
Identifiers: ClinVar variation 669218 (VCV000669218.2), dbSNP rs2915949, ClinGen allele CA308116075.